The following is an entry in ClinVar:

NM_170606.3(KMT2C):c.30G>T (p.Glu10Asp)

Gene: KMT2C (lysine methyltransferase 2C; minus strand). Cytogenetic location: 7q36.1.
Variant type: single nucleotide variant.
Coding change: c.30G>T on transcript NM_170606.3 (MANE Select); coding-DNA position 30, G replaced by T.
Protein change: p.Glu10Asp; replaces glutamic acid 10 with aspartic acid.
Molecular consequence: missense variant.
Genome position (GRCh38, 1-based): chr7:152,435,757, C>A on the plus strand (G>T on the coding strand, the complement: KMT2C is on the minus strand). VCF-style: chr7-152435757-C-A. GRCh37 (hg19) VCF-style: chr7-152132842-C-A.
Other names: short protein forms E10D.
Identifiers: ClinVar variation 1806349 (VCV001806349.1), dbSNP rs1386734027, ClinGen allele CA370104628.

ClinVar aggregate classification (germline): Uncertain significance (1 of 4 stars; one submission).

Conditions:
Kleefstra syndrome 2 (KLEFS2). Identifiers: MedGen C4540395, MONDO:0054701, OMIM 617768.

Submission:

Victorian Clinical Genetics Services, Murdoch Childrens Research Institute
Classification: Uncertain significance for Kleefstra syndrome 2. Last evaluated: 2021-05-06. Review status: criteria provided, single submitter. Criteria: ACMG Guidelines, 2015. Collection method: clinical testing. Allele origin: germline. Inheritance: Autosomal dominant inheritance. Affected: yes.
Comment: Based on the classification scheme VCGS_Germline_v1.3.4, this variant is classified as VUS-3B. Following criteria are met: 0102 - Loss of function is a known mechanism of disease in this gene and is associated with Kleefstra syndrome 2 (MIM#617768). (I) 0107 - This gene is associated with autosomal dominant disease. (I) 0200 - Variant is predicted to result in a missense amino acid change from glutamic acid to aspartic acid. (I) 0251 - This variant is heterozygous. (I) 0301 - Variant is absent from gnomAD (both v2 and v3). (SP) 0309 - An alternative amino acid change at the same position has been observed in gnomAD (v3) (1 heterozygote, 0 homozygotes). (I) 0502 - Missense variant with conflicting in silico predictions and uninformative conservation. (I) 0604 - Variant is not located in an established domain, motif, hotspot or informative constraint region. (I) 0705 - No comparable missense variants have previous evidence for pathogenicity. (I) 0807 - This variant has no previous evidence of pathogenicity. (I) 0905 - No published segregation evidence has been identified for this variant. (I) 1007 - No published functional evidence has been identified for this variant. (I) 1208 - Inheritance information for this variant is not currently available in this individual. (I) Legend: (SP) - Supporting pathogenic, (I) - Information, (SB) - Supporting benign